The following is an entry in ClinVar:

NM_020754.4(ARHGAP31):c.607G>C (p.Val203Leu)

Gene: ARHGAP31 (Rho GTPase activating protein 31; plus strand). Cytogenetic location: 3q13.33.
Variant type: single nucleotide variant.
Coding change: c.607G>C on transcript NM_020754.4 (MANE Select); coding-DNA position 607, G replaced by C.
Protein change: p.Val203Leu; replaces valine 203 with leucine.
Molecular consequence: missense variant.
Genome position (GRCh38, 1-based): chr3:119,383,151, G>C. VCF-style: chr3-119383151-G-C. GRCh37 (hg19) VCF-style: chr3-119101998-G-C.
Other names: short protein forms V203L.
Identifiers: ClinVar variation 4708713 (VCV004708713.1).

ClinVar aggregate classification (germline): Uncertain significance (1 of 4 stars; one submission).

gnomAD v4.1: 2 of 1,614,102 alleles (0.00012%); highest among the groups gnomAD compares: Admixed American, 0.0033%; no homozygotes.

Submission:

Labcorp Genetics (formerly Invitae), Labcorp
Classification: Uncertain significance. Last evaluated: 2025-12-19. Review status: criteria provided, single submitter. Criteria: Invitae Variant Classification Sherloc (09022015). Collection method: clinical testing. Allele origin: germline.
Comment: This sequence change replaces valine, which is neutral and non-polar, with leucine, which is neutral and non-polar, at codon 203 of the ARHGAP31 protein (p.Val203Leu). This variant is present in population databases (rs768208725, gnomAD 0.006%). This variant has not been reported in the literature in individuals affected with ARHGAP31-related conditions. An algorithm developed to predict the effect of missense changes on protein structure and function (PolyPhen-2) suggests that this variant is likely to be disruptive. In summary, the available evidence is currently insufficient to determine the role of this variant in disease. Therefore, it has been classified as a Variant of Uncertain Significance.